The following is an entry in ClinVar:

NM_198253.3(TERT):c.1328C>G (p.Thr443Arg)

Gene: TERT (telomerase reverse transcriptase; minus strand). Cytogenetic location: 5p15.33.
Variant type: single nucleotide variant.
Coding change: c.1328C>G on transcript NM_198253.3 (MANE Select); coding-DNA position 1328, C replaced by G.
Protein change: p.Thr443Arg; replaces threonine 443 with arginine.
Molecular consequence: missense variant. On other transcripts: non-coding transcript variant (2).
Genome position (GRCh38, 1-based): chr5:1,293,558, G>C on the plus strand (C>G on the coding strand, the complement: TERT is on the minus strand). VCF-style: chr5-1293558-G-C. GRCh37 (hg19) VCF-style: chr5-1293673-G-C.
Other names: c.1328C>G, p.Thr443Arg (NM_001193376.3); short protein forms T443R.
Identifiers: ClinVar variation 242214 (VCV000242214.10), dbSNP rs772257175, ClinGen allele CA3184857.

ClinVar aggregate classification (germline): Uncertain significance. Review status: criteria provided, multiple submitters, no conflicts (2 of 4 stars). 2 submissions from 2 submitters: Uncertain significance (2). Last evaluated 2025-04-29.

Conditions:
Idiopathic Pulmonary Fibrosis. Also called: Idiopathic fibrosing alveolitis, chronic form; idiopathic fibrosing alveolitis. Identifiers: Orphanet 2032, MedGen C1800706, MeSH D054990, MONDO:0800504.
Dyskeratosis congenita, autosomal dominant 2. Identifiers: MedGen C3151443, MONDO:0013521, OMIM 613989.
Dyskeratosis congenita. Identifiers: Orphanet 1775, MedGen C0265965, MONDO:0015780.

Allele frequency attached by ClinVar (database versions not stated): ExAC 0.00007.
gnomAD v4.1: 9 of 1,547,668 alleles (0.00058%); highest among the groups gnomAD compares: Middle Eastern, 0.017%; no homozygotes.

Submissions (2):

Ambry Genetics
Classification: Uncertain significance for Dyskeratosis congenita. Last evaluated: 2025-04-29. Review status: criteria provided, single submitter. Criteria: Ambry Variant Classification Scheme 2023. Collection method: clinical testing. Allele origin: germline.
Comment: The p.T443R variant (also known as c.1328C>G), located in coding exon 2 of the TERT gene, results from a C to G substitution at nucleotide position 1328. The threonine at codon 443 is replaced by arginine, an amino acid with similar properties. This amino acid position is not well conserved in available vertebrate species. In addition, the in silico prediction for this alteration is inconclusive. Based on the available evidence, the clinical significance of this variant remains unclear.

Labcorp Genetics (formerly Invitae), Labcorp
Classification: Uncertain significance for Dyskeratosis congenita, autosomal dominant 2; Idiopathic Pulmonary Fibrosis. Last evaluated: 2023-04-17. Review status: criteria provided, single submitter. Criteria: Invitae Variant Classification Sherloc (09022015). Collection method: clinical testing. Allele origin: germline.
Comment: In summary, the available evidence is currently insufficient to determine the role of this variant in disease. Therefore, it has been classified as a Variant of Uncertain Significance. Advanced modeling of protein sequence and biophysical properties (such as structural, functional, and spatial information, amino acid conservation, physicochemical variation, residue mobility, and thermodynamic stability) has been performed at Invitae for this missense variant, however the output from this modeling did not meet the statistical confidence thresholds required to predict the impact of this variant on TERT protein function. ClinVar contains an entry for this variant (Variation ID: 242214). This variant has not been reported in the literature in individuals affected with TERT-related conditions. This variant is present in population databases (rs772257175, gnomAD 0.002%). This sequence change replaces threonine, which is neutral and polar, with arginine, which is basic and polar, at codon 443 of the TERT protein (p.Thr443Arg).